The following is an entry in ClinVar:

ClinVar aggregate classification (germline): Pathogenic (1 of 4 stars; one submission).

Conditions:
Hereditary spastic paraplegia 4. Also called: Spastic paraplegia 4, autosomal dominant; Familial spastic paraplegia autosomal dominant 2; Spastic Paraplegia 4. Identifiers: Orphanet 100985, MedGen C1866855, MONDO:0008438, OMIM 182601.

Submission:

Labcorp Genetics (formerly Invitae), Labcorp
Classification: Pathogenic for Hereditary spastic paraplegia 4. Last evaluated: 2024-03-08. Review status: criteria provided, single submitter. Criteria: Invitae Variant Classification Sherloc (09022015). Collection method: clinical testing. Allele origin: germline.
Comment: This sequence change replaces isoleucine, which is neutral and non-polar, with arginine, which is basic and polar, at codon 592 of the SPAST protein (p.Ile592Arg). This variant is not present in population databases (gnomAD no frequency). This missense change has been observed in individual(s) with clinical features of SPAST-related conditions (Invitae). In at least one individual the variant was observed to be de novo. Advanced modeling of protein sequence and biophysical properties (such as structural, functional, and spatial information, amino acid conservation, physicochemical variation, residue mobility, and thermodynamic stability) has been performed at Invitae for this missense variant, however the output from this modeling did not meet the statistical confidence thresholds required to predict the impact of this variant on SPAST protein function. This variant disrupts the p.Ile592 amino acid residue in SPAST. Other variant(s) that disrupt this residue have been determined to be pathogenic (PMID: 31157359; Invitae). This suggests that this residue is clinically significant, and that variants that disrupt this residue are likely to be disease-causing. For these reasons, this variant has been classified as Pathogenic.

Literature cited by the submitters: PubMed 31157359.

NM_014946.4(SPAST):c.1775T>G (p.Ile592Arg)

Gene: SPAST (spastin; plus strand). Cytogenetic location: 2p22.3.
Variant type: single nucleotide variant.
Coding change: c.1775T>G on transcript NM_014946.4 (MANE Select); coding-DNA position 1775, T replaced by G.
Protein change: p.Ile592Arg; replaces isoleucine 592 with arginine.
Molecular consequence: missense variant. On other transcripts: 3 prime UTR variant (1).
Genome position (GRCh38, 1-based): chr2:32,154,420, T>G. VCF-style: chr2-32154420-T-G. GRCh37 (hg19) VCF-style: chr2-32379489-T-G.
Other names: c.1772T>G, p.Ile591Arg (NM_001363823.2); c.1676T>G, p.Ile559Arg (NM_001363875.2); c.*48T>G (NM_001377959.1); c.1679T>G, p.Ile560Arg (NM_199436.2); short protein forms I560R, I592R, I591R, I559R.
Identifiers: ClinVar variation 2910138 (VCV002910138.3), dbSNP rs1553321237, ClinGen allele CA346505619.
Genomic context (GRCh38, chr2:32,154,420, plus strand): 5'-TTTTAAAAATCTAGATGAGAAATATTCGATTATCTGACTTCACTGAATCCTTGAAAAAAA[T>G]AAAACGCAGCGTCAGCCCTCAAACTTTAGAAGCGTACATACGTTGGAACAAGGACTTTGG-3'
Protein context (NP_055761.2, residues 582-602): LSDFTESLKK[Ile592Arg]KRSVSPQTLE